The following is an entry in ClinVar:

NM_006073.4(TRDN):c.2089T>G (p.Tyr697Asp)

Gene: TRDN (triadin; minus strand). Cytogenetic location: 6q22.31.
Variant type: single nucleotide variant.
Coding change: c.2089T>G on transcript NM_006073.4 (MANE Select); coding-DNA position 2089, T replaced by G.
Protein change: p.Tyr697Asp; replaces tyrosine 697 with aspartic acid.
Molecular consequence: missense variant.
Genome position (GRCh38, 1-based): chr6:123,218,702, A>C on the plus strand (T>G on the coding strand, the complement: TRDN is on the minus strand). VCF-style: chr6-123218702-A-C. GRCh37 (hg19) VCF-style: chr6-123539847-A-C.
Other names: short protein forms Y697D.
Identifiers: ClinVar variation 3225246 (VCV003225246.1), dbSNP rs2534836294, ClinGen allele CA365564655.

ClinVar aggregate classification (germline): Uncertain significance (1 of 4 stars; one submission).

Conditions:
Cardiovascular phenotype. Identifiers: MedGen CN230736.

Allele frequency attached by ClinVar (database versions not stated): gnomAD exomes below 0.00001.
gnomAD v4.1: 2 of 1,593,266 alleles (0.00013%); highest among the groups gnomAD compares: Non-Finnish European, 0.00017%; no homozygotes.

Submission:

Ambry Genetics
Classification: Uncertain significance for Cardiovascular phenotype. Last evaluated: 2024-02-26. Review status: criteria provided, single submitter. Criteria: Ambry Variant Classification Scheme 2023. Collection method: clinical testing. Allele origin: germline.
Comment: The p.Y697D variant (also known as c.2089T>G), located in coding exon 41 of the TRDN gene, results from a T to G substitution at nucleotide position 2089. The tyrosine at codon 697 is replaced by aspartic acid, an amino acid with highly dissimilar properties. This amino acid position is conserved. In addition, this alteration is predicted to be tolerated by in silico analysis. Based on the available evidence, the clinical significance of this alteration remains unclear.